The following is an entry in ClinVar:

ClinVar aggregate classification (germline): Uncertain significance. Review status: criteria provided, multiple submitters, no conflicts (2 of 4 stars). 2 submissions from 2 submitters: Uncertain significance (2). Last evaluated 2025-09-10.

Conditions:
Neurofibromatosis, type 1 (NF1). Also called: Peripheral type neurofibromatosis; VON RECKLINGHAUSEN DISEASE; NEUROFIBROMATOSIS, TYPE I, SOMATIC; Neurofibromatosis, type I. Identifiers: Orphanet 636, MedGen C0027831, MONDO:0018975, OMIM 162200. Disease mechanism: loss of function.
Cardiovascular phenotype. Identifiers: MedGen CN230736.
Hereditary cancer-predisposing syndrome. Also called: Neoplastic Syndromes, Hereditary; Tumor predisposition; Hereditary neoplastic syndrome; Hereditary Cancer Syndrome. Identifiers: Orphanet 140162, MedGen C0027672, MeSH D009386, MONDO:0015356.

Submissions (2):

Ambry Genetics
Classification: Uncertain significance for Cardiovascular phenotype; Hereditary cancer-predisposing syndrome. Last evaluated: 2025-09-10. Review status: criteria provided, single submitter. Criteria: Ambry Variant Classification Scheme 2023. Collection method: clinical testing. Allele origin: germline.
Comment: The p.I2814L variant (also known as c.8440A>C), located in coding exon 57 of the NF1 gene, results from an A to C substitution at nucleotide position 8440. The isoleucine at codon 2814 is replaced by leucine, an amino acid with highly similar properties. This amino acid position is highly conserved in available vertebrate species. In addition, this alteration is predicted to be tolerated by in silico analysis. Since supporting evidence is limited at this time, the clinical significance of this alteration remains unclear.

Labcorp Genetics (formerly Invitae), Labcorp
Classification: Uncertain significance for Neurofibromatosis, type 1. Last evaluated: 2024-05-06. Review status: criteria provided, single submitter. Criteria: Invitae Variant Classification Sherloc (09022015). Collection method: clinical testing. Allele origin: germline.
Comment: This sequence change replaces isoleucine, which is neutral and non-polar, with leucine, which is neutral and non-polar, at codon 2814 of the NF1 protein (p.Ile2814Leu). This variant is not present in population databases (gnomAD no frequency). This variant has not been reported in the literature in individuals affected with NF1-related conditions. ClinVar contains an entry for this variant (Variation ID: 1763403). Advanced modeling of protein sequence and biophysical properties (such as structural, functional, and spatial information, amino acid conservation, physicochemical variation, residue mobility, and thermodynamic stability) performed at Invitae indicates that this missense variant is not expected to disrupt NF1 protein function with a negative predictive value of 95%. In summary, the available evidence is currently insufficient to determine the role of this variant in disease. Therefore, it has been classified as a Variant of Uncertain Significance.

NM_001042492.3(NF1):c.8503A>C (p.Ile2835Leu)

Gene: NF1 (neurofibromin 1; plus strand). Cytogenetic location: 17q11.2.
Variant type: single nucleotide variant.
Coding change: c.8503A>C on transcript NM_001042492.3 (MANE Select); coding-DNA position 8503, A replaced by C.
Protein change: p.Ile2835Leu; replaces isoleucine 2835 with leucine.
Molecular consequence: missense variant.
Genome position (GRCh38, 1-based): chr17:31,374,138, A>C. VCF-style: chr17-31374138-A-C. GRCh37 (hg19) VCF-style: chr17-29701156-A-C.
Other names: c.8440A>C, p.Ile2814Leu (NM_000267.4); short protein forms I2835L, I2814L.
Identifiers: ClinVar variation 1763403 (VCV001763403.5), dbSNP rs2151601629, ClinGen allele CA399206116.